The following is an entry in ClinVar:

NM_000179.3(MSH6):c.3898T>G (p.Phe1300Val)

Gene: MSH6 (mutS homolog 6; plus strand). Cytogenetic location: 2p16.3.
Variant type: single nucleotide variant.
Coding change: c.3898T>G on transcript NM_000179.3 (MANE Select); coding-DNA position 3898, T replaced by G.
Protein change: p.Phe1300Val; replaces phenylalanine 1300 with valine.
Molecular consequence: missense variant. On other transcripts: synonymous variant (1).
Genome position (GRCh38, 1-based): chr2:47,806,548, T>G. VCF-style: chr2-47806548-T-G. GRCh37 (hg19) VCF-style: chr2-48033687-T-G.
Other names: c.3601T>G, p.Phe1201Val (NM_001406830.1, NM_001406797.1, NM_001406818.1 and 10 more transcripts); c.679T>G, p.Phe227Val (NM_001406831.1); c.745T>G, p.Phe249Val (NM_001406832.1); c.1843T>G, p.Phe615Val (NM_001407362.1); c.3508T>G, p.Phe1170Val (NM_001281492.2); c.2992T>G, p.Phe998Val (NM_001281493.2, NM_001281494.2, NM_001406811.1 and 6 more transcripts); c.3994T>G, p.Phe1332Val (NM_001406795.1); c.3898T>G, p.Phe1300Val (NM_001406796.1, NM_001406808.1, NM_001406809.1); and 8 more; short protein forms F1170V, F227V, F1125V, F1201V, F1332V, F249V, F778V, F998V.
Identifiers: ClinVar variation 2093018 (VCV002093018.4), dbSNP rs2104559172, ClinGen allele CA346761415.
Genomic context (GRCh38, chr2:47,806,548, plus strand): 5'-CAGGAGACTATTACGTTCCTCTATAAATTCATTAAGGGAGCTTGTCCTAAAAGCTATGGC[T>G]TTAATGCAGCAAGGCTTGCTAATCTCCCAGAGGAAGTTATTCAAAAGGGACATAGAAAAG-3'
Protein context (NP_000170.1, residues 1290-1310): IKGACPKSYG[Phe1300Val]NAARLANLPE

ClinVar aggregate classification (germline): Uncertain significance (1 of 4 stars; one submission).

Conditions:
Hereditary nonpolyposis colorectal neoplasms. Identifiers: MedGen C0009405, MeSH D003123.

Submission:

Labcorp Genetics (formerly Invitae), Labcorp
Classification: Uncertain significance for Hereditary nonpolyposis colorectal neoplasms. Last evaluated: 2022-02-04. Review status: criteria provided, single submitter. Criteria: Invitae Variant Classification Sherloc (09022015). Collection method: clinical testing. Allele origin: germline.
Comment: In summary, the available evidence is currently insufficient to determine the role of this variant in disease. Therefore, it has been classified as a Variant of Uncertain Significance. Algorithms developed to predict the effect of missense changes on protein structure and function (SIFT, PolyPhen-2, Align-GVGD) all suggest that this variant is likely to be disruptive. This variant has not been reported in the literature in individuals affected with MSH6-related conditions. This variant is not present in population databases (gnomAD no frequency). This sequence change replaces phenylalanine, which is neutral and non-polar, with valine, which is neutral and non-polar, at codon 1300 of the MSH6 protein (p.Phe1300Val).